The following is an entry in ClinVar:

NM_004360.5(CDH1):c.2164+17A>C

Gene: CDH1 (cadherin 1; plus strand). Cytogenetic location: 16q22.1.
Variant type: single nucleotide variant.
Coding change: c.2164+17A>C on transcript NM_004360.5 (MANE Select); 17 bases into the intron after coding-DNA position 2164, A replaced by C.
Molecular consequence: intron variant.
Genome position (GRCh38, 1-based): chr16:68,823,643, A>C. VCF-style: chr16-68823643-A-C. GRCh37 (hg19) VCF-style: chr16-68857546-A-C.
Other names: c.616+17A>C (NM_001317185.2); c.199+17A>C (NM_001317186.2); c.1981+17A>C (NM_001317184.2); c.2164+17A>C (LRG_301t1).
Identifiers: ClinVar variation 509821 (VCV000509821.9), dbSNP rs746926799, ClinGen allele CA8130208.
Genomic context (GRCh38, chr16:68,823,643, plus strand): 5'-TCCTGCCATTCTGGGGATTCTTGGAGGAATTCTTGCTTTGCTAAGTAAGTCCAGCTGGCA[A>C]GTGACTCAGCCTTTGACTTAAAAAAATGGAGGAGGTTTATTTCCTGGAAATGATTTTTGT-3'

ClinVar aggregate classification (germline): Likely benign. Review status: criteria provided, multiple submitters, no conflicts (2 of 4 stars). 2 submissions from 2 submitters: Likely benign (2). Last evaluated 2026-01-19.

Conditions:
Hereditary diffuse gastric adenocarcinoma (HDGC). Also called: DIFFUSE GASTRIC AND LOBULAR BREAST CANCER SYNDROME. Identifiers: Orphanet 26106, MedGen C1708349, MONDO:0007648, OMIM 137215.

Allele frequency attached by ClinVar (database versions not stated): gnomAD exomes below 0.00001 and 0.00001; gnomAD 0.00001; ExAC 0.00002; TOPMed 0.00002.
gnomAD v4.1: 4 of 1,542,816 alleles (0.00026%); highest among the groups gnomAD compares: African/African-American, 0.0054%; no homozygotes.

Submissions (2):

Labcorp Genetics (formerly Invitae), Labcorp
Classification: Likely benign for Hereditary diffuse gastric adenocarcinoma. Last evaluated: 2026-01-19. Review status: criteria provided, single submitter. Criteria: Invitae Variant Classification Sherloc (09022015). Collection method: clinical testing. Allele origin: germline.

GeneDx
Classification: Likely benign. Last evaluated: 2017-05-24. Review status: criteria provided, single submitter. Criteria: GeneDx Variant Classification (06012015). Collection method: clinical testing. Allele origin: germline. Affected: yes.
Comment: This variant is considered likely benign or benign based on one or more of the following criteria: it is a conservative change, it occurs at a poorly conserved position in the protein, it is predicted to be benign by multiple in silico algorithms, and/or has population frequency not consistent with disease.